The following is an entry in ClinVar:

ClinVar aggregate classification (germline): Benign/Likely benign. Review status: criteria provided, multiple submitters, no conflicts (2 of 4 stars). 6 submissions from 6 submitters: Benign (5); Likely benign (1). Last evaluated 2026-01-21.

Conditions:
Inborn genetic diseases. Identifiers: MedGen C0950123, MeSH D030342.
Intellectual developmental disorder, X-linked 93. Also called: MENTAL RETARDATION, X-LINKED, WITH MACROCEPHALY; Intellectual disability, X-linked 93. Identifiers: MedGen C1970841, MONDO:0010393, OMIM 300659.

Allele frequency attached by ClinVar (database versions not stated): gnomAD exomes 0.00017 and 0.00040; ExAC 0.00053; 1000 Genomes Project 0.00132; 1000 Genomes Project 30x 0.00146; TOPMed 0.00160; gnomAD 0.00165 and 0.00171; ESP Exome Variant Server 0.00199.

Submissions (6):

Labcorp Genetics (formerly Invitae), Labcorp
Classification: Benign. Last evaluated: 2026-01-21. Review status: criteria provided, single submitter. Criteria: Invitae Variant Classification Sherloc (09022015). Collection method: clinical testing. Allele origin: germline.

Genetic Services Laboratory, University of Chicago
Classification: Benign. Last evaluated: 2018-10-23. Review status: criteria provided, single submitter. Criteria: ACMG Guidelines, 2015. Collection method: clinical testing. Allele origin: germline. Affected: no.

Illumina Laboratory Services, Illumina
Classification: Benign for Intellectual developmental disorder, X-linked 93. Last evaluated: 2018-01-12. Review status: criteria provided, single submitter. Criteria: ICSL Variant Classification Criteria 13 December 2019. Collection method: clinical testing. Allele origin: germline.
Comment: This variant was observed in the ICSL laboratory as part of a predisposition screen in an ostensibly healthy population. It had not been previously curated by ICSL or reported in the Human Gene Mutation Database (HGMD: prior to June 1st, 2018), and was therefore a candidate for classification through an automated scoring system. Utilizing variant allele frequency, disease prevalence and penetrance estimates, and inheritance mode, an automated score was calculated to assess if this variant is too frequent to cause the disease. Based on the score and internal cut-off values, a variant classified as benign is not then subjected to further curation. The score for this variant resulted in a classification of benign for this disease.

Ambry Genetics
Classification: Benign for Inborn genetic diseases. Last evaluated: 2017-06-22. Review status: criteria provided, single submitter. Criteria: Ambry Variant Classification Scheme 2023. Collection method: clinical testing. Allele origin: germline.

Center for Pediatric Genomic Medicine, Children's Mercy Hospital and Clinics
Classification: Likely benign. Last evaluated: 2017-05-08. Review status: criteria provided, single submitter. Criteria: ACMG Guidelines, 2015. Collection method: clinical testing. Allele origin: germline.

Eurofins Ntd Llc (ga)
Classification: Benign. Last evaluated: 2015-01-06. Review status: criteria provided, single submitter. Criteria: EGL Classification Definitions 2015. Collection method: clinical testing. Allele origin: germline. Observed: 1 variant allele, 1 hemizygote.

NM_153252.5(BRWD3):c.769G>A (p.Val257Ile)

Gene: BRWD3 (bromodomain and WD repeat domain containing 3; minus strand). Cytogenetic location: Xq21.1.
Variant type: single nucleotide variant.
Coding change: c.769G>A on transcript NM_153252.5 (MANE Select); coding-DNA position 769, G replaced by A.
Protein change: p.Val257Ile; replaces valine 257 with isoleucine.
Molecular consequence: missense variant.
Genome position (GRCh38, 1-based): chrX:80,744,076, C>T on the plus strand (G>A on the coding strand, the complement: BRWD3 is on the minus strand). VCF-style: chrX-80744076-C-T. GRCh37 (hg19) VCF-style: chrX-79999575-C-T.
Other names: short protein forms V257I.
Identifiers: ClinVar variation 198921 (VCV000198921.22), dbSNP rs112829587, ClinGen allele CA203675.
Genomic context (GRCh38, chrX:80,744,076, plus strand): 5'-TTATCACTTTTCTTACCTGTATGGAAGTAATAGAAGCTGAATGGCCCTGAAGGACTGCAA[C>T]GGGTGCACAAGTTCGAAGACACCATACTCTTACTACCTTATCACAGCTGCCTGCAGCAAT-3'
Protein context (NP_694984.5, residues 247-267): RVWCLRTCAP[Val257Ile]AVLQGHSASI